The following is an entry in ClinVar:

ClinVar aggregate classification (germline): Uncertain significance (1 of 4 stars; one submission).

Allele frequency attached by ClinVar (database versions not stated): gnomAD exomes below 0.00001.
gnomAD v4.1: 4 of 1,614,176 alleles (0.00025%); highest among the groups gnomAD compares: African/African-American, 0.0013%; no homozygotes.

Submission:

Labcorp Genetics (formerly Invitae), Labcorp
Classification: Uncertain significance. Last evaluated: 2022-10-13. Review status: criteria provided, single submitter. Criteria: Invitae Variant Classification Sherloc (09022015). Collection method: clinical testing. Allele origin: germline.
Comment: This sequence change replaces arginine, which is basic and polar, with glutamine, which is neutral and polar, at codon 137 of the UNC80 protein (p.Arg137Gln). This variant is not present in population databases (gnomAD no frequency). This variant has not been reported in the literature in individuals affected with UNC80-related conditions. Algorithms developed to predict the effect of missense changes on protein structure and function are either unavailable or do not agree on the potential impact of this missense change (SIFT: "Not Available"; PolyPhen-2: "Benign"; Align-GVGD: "Not Available"). In summary, the available evidence is currently insufficient to determine the role of this variant in disease. Therefore, it has been classified as a Variant of Uncertain Significance.

NM_001371986.1(UNC80):c.410G>A (p.Arg137Gln)

Gene: UNC80 (unc-80 homolog, NALCN channel complex subunit; plus strand). Cytogenetic location: 2q34.
Variant type: single nucleotide variant.
Coding change: c.410G>A on transcript NM_001371986.1 (MANE Select); coding-DNA position 410, G replaced by A.
Protein change: p.Arg137Gln; replaces arginine 137 with glutamine.
Molecular consequence: missense variant.
Genome position (GRCh38, 1-based): chr2:209,777,369, G>A. VCF-style: chr2-209777369-G-A. GRCh37 (hg19) VCF-style: chr2-210642093-G-A.
Other names: c.410G>A, p.Arg137Gln (NM_032504.2, NM_182587.4); short protein forms R137Q.
Identifiers: ClinVar variation 1917786 (VCV001917786.2), dbSNP rs2076925534, ClinGen allele CA350131133.